The following is an entry in ClinVar:

NM_015459.5(ATL3):c.1346C>A (p.Thr449Lys)

Genes: ATL3 (atlastin GTPase 3; minus strand), LNCROPM (lncRNA regulator of PLAAT3 mediated phospholipid metabolism; plus strand). Cytogenetic location: 11q13.1.
Variant type: single nucleotide variant.
Coding change: c.1346C>A on transcript NM_015459.5 (MANE Select); coding-DNA position 1346, C replaced by A.
Protein change: p.Thr449Lys; replaces threonine 449 with lysine.
Molecular consequence: missense variant.
Genome position (GRCh38, 1-based): chr11:63,631,233, G>T on the plus strand (C>A on the coding strand, the complement: ATL3 is on the minus strand). VCF-style: chr11-63631233-G-T. GRCh37 (hg19) VCF-style: chr11-63398705-G-T.
Other names: c.1292C>A, p.Thr431Lys (NM_001290048.2); short protein forms T431K, T449K.
Identifiers: ClinVar variation 1354400 (VCV001354400.8), dbSNP rs775539106, ClinGen allele CA381025136.

ClinVar aggregate classification (germline): Uncertain significance (1 of 4 stars; one submission).

Conditions:
Neuropathy, hereditary sensory, type 1F. Also called: HSN IF; Hereditary sensory neuropathy type IF. Identifiers: Orphanet 36386, MedGen C3810194, MONDO:0014286, OMIM 615632.

gnomAD v4.1: 1 of 1,614,090 alleles (0.000062%); highest among the groups gnomAD compares: African/African-American, 0.0013%; no homozygotes.

Submission:

Labcorp Genetics (formerly Invitae), Labcorp
Classification: Uncertain significance for Neuropathy, hereditary sensory, type 1F. Last evaluated: 2021-03-26. Review status: criteria provided, single submitter. Criteria: Invitae Variant Classification Sherloc (09022015). Collection method: clinical testing. Allele origin: germline.
Comment: This sequence change replaces threonine with lysine at codon 449 of the ATL3 protein (p.Thr449Lys). The threonine residue is moderately conserved and there is a moderate physicochemical difference between threonine and lysine. This variant is not present in population databases (ExAC no frequency). This variant has not been reported in the literature in individuals with ATL3-related conditions. Algorithms developed to predict the effect of missense changes on protein structure and function are either unavailable or do not agree on the potential impact of this missense change (SIFT: "Deleterious"; PolyPhen-2: "Benign"; Align-GVGD: "Class C0"). Algorithms developed to predict the effect of sequence changes on RNA splicing suggest that this variant may create or strengthen a splice site, but this prediction has not been confirmed by published transcriptional studies. In summary, the available evidence is currently insufficient to determine the role of this variant in disease. Therefore, it has been classified as a Variant of Uncertain Significance.